The following is an entry in ClinVar:

ClinVar aggregate classification (germline): Uncertain significance (1 of 4 stars; one submission).

Allele frequency attached by ClinVar (database versions not stated): 1000 Genomes Project 30x 0.00016.
gnomAD v4.1: 27 of 1,614,038 alleles (0.0017%); highest among the groups gnomAD compares: African/African-American, 0.013%; no homozygotes.

Submission:

Labcorp Genetics (formerly Invitae), Labcorp
Classification: Uncertain significance. Last evaluated: 2024-01-22. Review status: criteria provided, single submitter. Criteria: Invitae Variant Classification Sherloc (09022015). Collection method: clinical testing. Allele origin: germline.
Comment: This sequence change replaces alanine, which is neutral and non-polar, with proline, which is neutral and non-polar, at codon 39 of the RSPO1 protein (p.Ala39Pro). This variant is present in population databases (rs201499112, gnomAD 0.01%). This variant has not been reported in the literature in individuals affected with RSPO1-related conditions. ClinVar contains an entry for this variant (Variation ID: 2074213). An algorithm developed to predict the effect of missense changes on protein structure and function (PolyPhen-2) suggests that this variant is likely to be tolerated. In summary, the available evidence is currently insufficient to determine the role of this variant in disease. Therefore, it has been classified as a Variant of Uncertain Significance.

NM_001242908.2(RSPO1):c.115G>C (p.Ala39Pro)

Gene: RSPO1 (R-spondin 1; minus strand). Cytogenetic location: 1p34.3.
Variant type: single nucleotide variant.
Coding change: c.115G>C on transcript NM_001242908.2 (MANE Select); coding-DNA position 115, G replaced by C.
Protein change: p.Ala39Pro; replaces alanine 39 with proline.
Molecular consequence: missense variant.
Genome position (GRCh38, 1-based): chr1:37,616,655, C>G on the plus strand (G>C on the coding strand, the complement: RSPO1 is on the minus strand). VCF-style: chr1-37616655-C-G. GRCh37 (hg19) VCF-style: chr1-38082327-C-G.
Other names: c.115G>C, p.Ala39Pro (NM_001038633.4, NM_001242910.2); c.34G>C, p.Ala12Pro (NM_001242909.2); short protein forms A12P, A39P.
Identifiers: ClinVar variation 2074213 (VCV002074213.4), dbSNP rs201499112, ClinGen allele CA772721.